The following is an entry in ClinVar:

NM_001845.6(COL4A1):c.84+4A>C

Gene: COL4A1 (collagen type IV alpha 1 chain; minus strand). Cytogenetic location: 13q34.
Variant type: single nucleotide variant.
Coding change: c.84+4A>C on transcript NM_001845.6 (MANE Select); 4 bases into the intron after coding-DNA position 84, A replaced by C.
Molecular consequence: intron variant.
Genome position (GRCh38, 1-based): chr13:110,306,940, T>G on the plus strand (A>C on the coding strand, the complement: COL4A1 is on the minus strand). VCF-style: chr13-110306940-T-G. GRCh37 (hg19) VCF-style: chr13-110959287-T-G.
Other names: c.84+4A>C (NM_001303110.2).
Identifiers: ClinVar variation 4724156 (VCV004724156.1).

ClinVar aggregate classification (germline): Uncertain significance (1 of 4 stars; one submission).

Submission:

Labcorp Genetics (formerly Invitae), Labcorp
Classification: Uncertain significance. Last evaluated: 2025-07-27. Review status: criteria provided, single submitter. Criteria: Invitae Variant Classification Sherloc (09022015). Collection method: clinical testing. Allele origin: germline.
Comment: This sequence change falls in intron 1 of the COL4A1 gene. It does not directly change the encoded amino acid sequence of the COL4A1 protein. It affects a nucleotide within the consensus splice site. This variant is not present in population databases (gnomAD no frequency). This variant has not been reported in the literature in individuals affected with COL4A1-related conditions. Variants that disrupt the consensus splice site are a relatively common cause of aberrant splicing (PMID: 17576681, 9536098). Algorithms developed to predict the effect of sequence changes on RNA splicing suggest that this variant is not likely to affect RNA splicing. In summary, the available evidence is currently insufficient to determine the role of this variant in disease. Therefore, it has been classified as a Variant of Uncertain Significance.

Literature cited by the submitters: PubMed 17576681; PubMed 9536098.